The following is an entry in ClinVar:

NM_198428.3(BBS9):c.253A>C (p.Lys85Gln)

Gene: BBS9 (Bardet-Biedl syndrome 9; plus strand). Cytogenetic location: 7p14.3.
Variant type: single nucleotide variant.
Coding change: c.253A>C on transcript NM_198428.3 (MANE Select); coding-DNA position 253, A replaced by C.
Protein change: p.Lys85Gln; replaces lysine 85 with glutamine.
Molecular consequence: missense variant. On other transcripts: 5 prime UTR variant (4), non-coding transcript variant (3), intron variant (2).
Genome position (GRCh38, 1-based): chr7:33,152,841, A>C. VCF-style: chr7-33152841-A-C. GRCh37 (hg19) VCF-style: chr7-33192453-A-C.
Other names: c.253A>C, p.Lys85Gln (NM_001033604.2, NM_001033605.2, NM_001348036.1 and 7 more transcripts); c.-49A>C (NM_001348037.3, NM_001348045.3); c.-25A>C (NM_001348038.3, NM_001348039.3); c.118A>C, p.Lys40Gln (NM_001348042.3); c.-39+22800A>C (NM_001348046.3, NM_001348044.3); short protein forms K85Q, K40Q.
Identifiers: ClinVar variation 2043882 (VCV002043882.1), dbSNP rs2535291859, ClinGen allele CA367190626.

ClinVar aggregate classification (germline): Uncertain significance (1 of 4 stars; one submission).

Conditions:
Bardet-Biedl syndrome (BBS). Identifiers: Orphanet 110, MedGen C0752166, MONDO:0015229.

Submission:

Labcorp Genetics (formerly Invitae), Labcorp
Classification: Uncertain significance for Bardet-Biedl syndrome. Last evaluated: 2021-12-15. Review status: criteria provided, single submitter. Criteria: Invitae Variant Classification Sherloc (09022015). Collection method: clinical testing. Allele origin: germline.
Comment: This sequence change replaces lysine, which is basic and polar, with glutamine, which is neutral and polar, at codon 85 of the BBS9 protein (p.Lys85Gln). This variant is not present in population databases (gnomAD no frequency). This variant has not been reported in the literature in individuals affected with BBS9-related conditions. Algorithms developed to predict the effect of missense changes on protein structure and function are either unavailable or do not agree on the potential impact of this missense change (SIFT: "Deleterious"; PolyPhen-2: "Benign"; Align-GVGD: "Class C45"). In summary, the available evidence is currently insufficient to determine the role of this variant in disease. Therefore, it has been classified as a Variant of Uncertain Significance.